The following is an entry in ClinVar:

ClinVar aggregate classification (germline): Uncertain significance (1 of 4 stars; one submission).

Conditions:
Hereditary nonpolyposis colorectal neoplasms. Identifiers: MedGen C0009405, MeSH D003123.

Submission:

Labcorp Genetics (formerly Invitae), Labcorp
Classification: Uncertain significance for Hereditary nonpolyposis colorectal neoplasms. Last evaluated: 2024-05-25. Review status: criteria provided, single submitter. Criteria: Invitae Variant Classification Sherloc (09022015). Collection method: clinical testing. Allele origin: germline.
Comment: This sequence change replaces threonine, which is neutral and polar, with alanine, which is neutral and non-polar, at codon 672 of the MSH6 protein (p.Thr672Ala). This variant is not present in population databases (gnomAD no frequency). This variant has not been reported in the literature in individuals affected with MSH6-related conditions. Advanced modeling of protein sequence and biophysical properties (such as structural, functional, and spatial information, amino acid conservation, physicochemical variation, residue mobility, and thermodynamic stability) performed at Invitae indicates that this missense variant is not expected to disrupt MSH6 protein function with a negative predictive value of 95%. In summary, the available evidence is currently insufficient to determine the role of this variant in disease. Therefore, it has been classified as a Variant of Uncertain Significance.

NM_000179.3(MSH6):c.2014A>G (p.Thr672Ala)

Gene: MSH6 (mutS homolog 6; plus strand). Cytogenetic location: 2p16.3.
Variant type: single nucleotide variant.
Coding change: c.2014A>G on transcript NM_000179.3 (MANE Select); coding-DNA position 2014, A replaced by G.
Protein change: p.Thr672Ala; replaces threonine 672 with alanine.
Molecular consequence: missense variant. On other transcripts: non-coding transcript variant (5), intron variant (2).
Genome position (GRCh38, 1-based): chr2:47,799,997, A>G. VCF-style: chr2-47799997-A-G. GRCh37 (hg19) VCF-style: chr2-48027136-A-G.
Other names: c.2014A>G, p.Thr672Ala (NM_001406796.1, NM_001406798.1, NM_001406800.1 and 3 more transcripts); c.1717A>G, p.Thr573Ala (NM_001406797.1, NM_001406801.1, NM_001406818.1 and 10 more transcripts); c.1489A>G, p.Thr497Ala (NM_001406799.1, NM_001406806.1, NM_001406807.1); c.2110A>G, p.Thr704Ala (NM_001406802.1, NM_001406795.1); c.1936A>G, p.Thr646Ala (NM_001406804.1); c.1108A>G, p.Thr370Ala (NM_001406816.1, NM_001406823.1, NM_001281493.2 and 6 more transcripts); c.1624A>G, p.Thr542Ala (NM_001281492.2); c.2020A>G, p.Thr674Ala (NM_001406813.1); and 3 more; short protein forms T573A, T646A, T672A, T370A, T497A, T542A, T674A, T704A.
Identifiers: ClinVar variation 3633943 (VCV003633943.2).